The following is an entry in ClinVar:

ClinVar aggregate classification (germline): Uncertain significance (1 of 4 stars; one submission).

gnomAD v4.1: 12 of 1,614,102 alleles (0.00074%); highest among the groups gnomAD compares: South Asian, 0.0033%; no homozygotes.

Submission:

GeneDx
Classification: Uncertain significance. Last evaluated: 2024-11-14. Review status: criteria provided, single submitter. Criteria: GeneDx Variant Classification Process June 2021. Collection method: clinical testing. Allele origin: germline. Affected: yes.
Comment: Not observed at significant frequency in large population cohorts (gnomAD); In silico analysis indicates that this missense variant does not alter protein structure/function; Has not been previously published as pathogenic or benign to our knowledge

NM_015354.3(NUP188):c.4484G>A (p.Arg1495Gln)

Gene: NUP188 (nucleoporin 188; plus strand). Cytogenetic location: 9q34.11.
Variant type: single nucleotide variant.
Coding change: c.4484G>A on transcript NM_015354.3 (MANE Select); coding-DNA position 4484, G replaced by A.
Protein change: p.Arg1495Gln; replaces arginine 1495 with glutamine.
Molecular consequence: missense variant.
Genome position (GRCh38, 1-based): chr9:129,005,196, G>A. VCF-style: chr9-129005196-G-A. GRCh37 (hg19) VCF-style: chr9-131767475-G-A.
Other names: short protein forms R1495Q.
Identifiers: ClinVar variation 3899665 (VCV003899665.1).